The following is an entry in ClinVar:

NM_001370259.2(MEN1):c.1539A>C (p.Gly513=)

Gene: MEN1 (menin 1; minus strand). Cytogenetic location: 11q13.1.
Variant type: single nucleotide variant.
Coding change: c.1539A>C on transcript NM_001370259.2 (MANE Select); coding-DNA position 1539, A replaced by C.
Protein change: p.Gly513=; no amino-acid change (glycine 513 retained).
Molecular consequence: synonymous variant. On other transcripts: non-coding transcript variant (4).
Genome position (GRCh38, 1-based): chr11:64,804,628, T>G on the plus strand (A>C on the coding strand, the complement: MEN1 is on the minus strand). VCF-style: chr11-64804628-T-G. GRCh37 (hg19) VCF-style: chr11-64572100-T-G.
Other names: c.1554A>C, p.Gly518= (NM_000244.4, NM_001407145.1, NM_130800.3 and 4 more transcripts); c.1665A>C, p.Gly555= (NM_001370251.2, NM_001407142.1, NM_001407143.1 and 1 more transcripts); c.1539A>C, p.Gly513= (NM_001370260.2, NM_001370261.2, NM_001407146.1 and 2 more transcripts); c.1434A>C, p.Gly478= (NM_001370262.2, NM_001370263.2, NM_001407148.1 and 1 more transcripts); c.1680A>C, p.Gly560= (NM_001407150.1); c.1560A>C, p.Gly520= (NM_001407151.1); c.1374A>C, p.Gly458= (NM_001407152.1).
Identifiers: ClinVar variation 3773360 (VCV003773360.1).

ClinVar aggregate classification (germline): Benign (1 of 4 stars; one submission).

Conditions:
Multiple endocrine neoplasia, type 1 (MEN1). Also called: MEN I; WERMER SYNDROME; Endocrine adenomatosis multiple; MEN 1; MEA I. Identifiers: Orphanet 652, MedGen C0025267, MeSH D018761, MONDO:0007540, OMIM 131100.

gnomAD v4.1: 1 of 1,606,112 alleles (0.000062%); highest among the groups gnomAD compares: Non-Finnish European, 0.000085%; no homozygotes.

Submission:

Myriad Genetics, Inc.
Classification: Benign for Multiple endocrine neoplasia, type 1. Last evaluated: 2024-11-05. Review status: criteria provided, single submitter. Criteria: Myriad Autosomal Dominant, Autosomal Recessive and X-Linked Classification Criteria (2023). Collection method: clinical testing. Allele origin: unknown.
Comment: This variant is considered benign. This variant is a silent/synonymous amino acid change and it is not expected to impact splicing.